The following is an entry in ClinVar:

ClinVar aggregate classification (germline): Uncertain significance. Review status: criteria provided, multiple submitters, no conflicts (2 of 4 stars). 2 submissions from 2 submitters: Uncertain significance (2). Last evaluated 2023-04-12.

Conditions:
Lipoic acid synthetase deficiency. Also called: HYPERGLYCINEMIA, LACTIC ACIDOSIS, AND SEIZURES. Identifiers: Orphanet 401859, MedGen C3280887, MONDO:0013762, OMIM 614462.

Allele frequency attached by ClinVar (database versions not stated): gnomAD 0.00001; TOPMed 0.00001.

Submissions (2):

Mayo Clinic Laboratories, Mayo Clinic
Classification: Uncertain significance. Last evaluated: 2023-04-12. Review status: criteria provided, single submitter. Criteria: ACMG Guidelines, 2015. Collection method: clinical testing. Allele origin: germline. Observed: 1 variant allele.
Comment: PM2

Labcorp Genetics (formerly Invitae), Labcorp
Classification: Uncertain significance for Lipoic acid synthetase deficiency. Last evaluated: 2020-10-01. Review status: criteria provided, single submitter. Criteria: Invitae Variant Classification Sherloc (09022015). Collection method: clinical testing. Allele origin: germline.
Comment: In summary, the available evidence is currently insufficient to determine the role of this variant in disease. Therefore, it has been classified as a Variant of Uncertain Significance. Algorithms developed to predict the effect of missense changes on protein structure and function (SIFT, PolyPhen-2, Align-GVGD) all suggest that this variant is likely to be tolerated, but these predictions have not been confirmed by published functional studies and their clinical significance is uncertain. This variant has not been reported in the literature in individuals with LIAS-related conditions. This variant is not present in population databases (ExAC no frequency). This sequence change replaces alanine with glycine at codon 149 of the LIAS protein (p.Ala149Gly). The alanine residue is highly conserved and there is a small physicochemical difference between alanine and glycine.

NM_006859.4(LIAS):c.446C>G (p.Ala149Gly)

Gene: LIAS (lipoic acid synthetase; plus strand). Cytogenetic location: 4p14.
Variant type: single nucleotide variant.
Coding change: c.446C>G on transcript NM_006859.4 (MANE Select); coding-DNA position 446, C replaced by G.
Protein change: p.Ala149Gly; replaces alanine 149 with glycine.
Molecular consequence: missense variant. On other transcripts: intron variant (1).
Genome position (GRCh38, 1-based): chr4:39,465,098, C>G. VCF-style: chr4-39465098-C-G. GRCh37 (hg19) VCF-style: chr4-39466718-C-G.
Other names: p.Ala149Gly; c.446C>G, p.Ala149Gly (NM_001278590.2, NM_194451.3); c.299+1493C>G (NM_001363700.2); short protein forms A149G.
Identifiers: ClinVar variation 957251 (VCV000957251.10), dbSNP rs977337132, ClinGen allele CA95728830.